The following is an entry in ClinVar:

ClinVar aggregate classification (germline): Uncertain significance (1 of 4 stars; one submission).

Conditions:
Aortic valve disease 2 (AOVD2). Identifiers: MedGen C3542024, MONDO:0013902, OMIM 614823.

Submission:

Labcorp Genetics (formerly Invitae), Labcorp
Classification: Uncertain significance for Aortic valve disease 2. Last evaluated: 2021-06-05. Review status: criteria provided, single submitter. Criteria: Invitae Variant Classification Sherloc (09022015). Collection method: clinical testing. Allele origin: germline.
Comment: This variant, c.991_992insCAC, is a complex sequence change that results in the loss of 1 amino acid and the insertion of 2 amino acid(s) in the SMAD6 protein (p.Trp331delinsSerArg). This variant is not present in population databases (ExAC no frequency). This variant has not been reported in the literature in individuals with SMAD6-related conditions. Experimental studies and prediction algorithms are not available or were not evaluated, and the functional significance of this variant is currently unknown. In summary, the available evidence is currently insufficient to determine the role of this variant in disease. Therefore, it has been classified as a Variant of Uncertain Significance.

NM_005585.5(SMAD6):c.991_992insCAC (p.Trp331delinsSerArg)

Gene: SMAD6 (SMAD family member 6; plus strand). Cytogenetic location: 15q22.31.
Variant type: Insertion.
Coding change: c.991_992insCAC on transcript NM_005585.5 (MANE Select); coding-DNA positions 991 to 992, CAC inserted.
Protein change: p.Trp331delinsSerArg.
Molecular consequence: inframe indel. On other transcripts: non-coding transcript variant (1).
Genome position: GRCh38 VCF-style: chr15-66781035-T-TCAC. GRCh37 (hg19) VCF-style: chr15-67073373-T-TCAC.
Identifiers: ClinVar variation 1359117 (VCV001359117.6), dbSNP rs2140681073, ClinGen allele CA2573151066.